The following is an entry in ClinVar:

ClinVar aggregate classification (germline): Benign. Review status: criteria provided, multiple submitters, no conflicts (2 of 4 stars). 4 submissions from 4 submitters: Benign (3). 1 of the submissions does not count toward it. Last evaluated 2024-09-01.

Conditions:
BSN-related disorder. Also called: BSN-related condition.

Allele frequency attached by ClinVar (database versions not stated): 1000 Genomes Project 30x 0.00094; 1000 Genomes Project 0.00120; gnomAD 0.00139 and 0.00141; TOPMed 0.00150; gnomAD exomes 0.00186; ExAC 0.00187; ESP Exome Variant Server 0.00208.
gnomAD v4.1: 2,947 of 1,613,564 alleles (0.18%); highest among the groups gnomAD compares: Middle Eastern, 0.4%; 10 homozygotes.

Submissions (4):

CeGaT Center for Human Genetics Tuebingen
Classification: Benign. Last evaluated: 2024-09-01. Review status: criteria provided, single submitter. Criteria: CeGaT Center For Human Genetics Tuebingen Variant Classification Criteria Version 2. Collection method: clinical testing. Allele origin: germline. Affected: yes. Observed: 2 variant alleles.
Comment: BSN: BP4, BS1, BS2

Labcorp Genetics (formerly Invitae), Labcorp
Classification: Benign. Last evaluated: 2018-06-10. Review status: criteria provided, single submitter. Criteria: Invitae Variant Classification Sherloc (09022015). Collection method: clinical testing. Allele origin: germline.

Breakthrough Genomics
Classification: Benign. Review status: criteria provided, single submitter. Criteria: ACMG Guidelines, 2015. Collection method: not provided. Allele origin: germline. Inheritance: Unknown mechanism. Affected: yes.

PreventionGenetics, part of Exact Sciences
Classification: Benign for BSN-related condition. Last evaluated: 2019-05-02. Review status: no assertion criteria provided. Collection method: clinical testing. Allele origin: germline. Not counted in ClinVar's aggregate classification.
Comment: This variant is classified as benign based on ACMG/AMP sequence variant interpretation guidelines (Richards et al. 2015 PMID: 25741868, with internal and published modifications).

NM_003458.4(BSN):c.11663C>T (p.Pro3888Leu)

Gene: BSN (bassoon presynaptic cytomatrix protein; plus strand). Cytogenetic location: 3p21.31.
Variant type: single nucleotide variant.
Coding change: c.11663C>T on transcript NM_003458.4 (MANE Select); coding-DNA position 11663, C replaced by T.
Protein change: p.Pro3888Leu; replaces proline 3888 with leucine.
Molecular consequence: missense variant.
Genome position (GRCh38, 1-based): chr3:49,664,477, C>T. VCF-style: chr3-49664477-C-T. GRCh37 (hg19) VCF-style: chr3-49701910-C-T.
Other names: short protein forms P3888L.
Identifiers: ClinVar variation 780876 (VCV000780876.22), dbSNP rs149315260, ClinGen allele CA2401580.